The following is an entry in ClinVar:

ClinVar aggregate classification (germline): Uncertain significance (1 of 4 stars; one submission).

Conditions:
Malignant hyperthermia, susceptibility to, 1 (MHS1). Also called: RYR1-Related Malignant Hyperthermia Susceptibility; Anesthesia related hyperthermia; Malignant hyperpyrexia; Fulminating hyperpyrexia; Pharmacogenic myopathy; Malignant hyperthermia suceptibility 1. Identifiers: Orphanet 423, MedGen C2930980, MONDO:0007783, OMIM 145600.

Submission:

All of Us Research Program, National Institutes of Health
Classification: Uncertain significance for Malignant hyperthermia, susceptibility to, 1. Last evaluated: 2023-03-23. Review status: criteria provided, single submitter. Criteria: ACMG Guidelines, 2015. Collection method: clinical testing. Allele origin: germline. Inheritance: Autosomal dominant inheritance. Observed: 1 variant allele, 1 heterozygote.
Comment: This missense variant replaces glycine with alanine at codon 1128 of the RYR1 protein. Computational prediction suggests that this variant may not impact protein structure and function (internally defined REVEL score threshold <= 0.5, PMID: 27666373). To our knowledge, functional studies have not been reported for this variant. This variant has not been reported in individuals affected with RYR1-related disorders in the literature. This variant has not been identified in the general population by the Genome Aggregation Database (gnomAD). The available evidence is insufficient to determine the role of this variant in disease conclusively. Therefore, this variant is classified as a Variant of Uncertain Significance.

This study involves interpretation of variants in research participants for the purpose of population health screening. Participant phenotype was not available at the time of variant classification. Additional details can be found in publication PMID: 35346344, PMCID: PMC8962531

NM_000540.3(RYR1):c.3383G>C (p.Gly1128Ala)

Gene: RYR1 (ryanodine receptor 1; plus strand). Cytogenetic location: 19q13.2.
Variant type: single nucleotide variant.
Coding change: c.3383G>C on transcript NM_000540.3 (MANE Select); coding-DNA position 3383, G replaced by C.
Protein change: p.Gly1128Ala; replaces glycine 1128 with alanine.
Molecular consequence: missense variant.
Genome position (GRCh38, 1-based): chr19:38,468,967, G>C. VCF-style: chr19-38468967-G-C. GRCh37 (hg19) VCF-style: chr19-38959607-G-C.
Other names: c.3383G>C, p.Gly1128Ala (NM_001042723.2); short protein forms G1128A.
Identifiers: ClinVar variation 3069915 (VCV003069915.1), dbSNP rs2514112505, ClinGen allele CA405638198.